The following is an entry in ClinVar:

ClinVar aggregate classification (germline): Likely benign. Review status: criteria provided, multiple submitters, no conflicts (2 of 4 stars). 2 submissions from 2 submitters: Likely benign (2). Last evaluated 2025-06-10.

Allele frequency attached by ClinVar (database versions not stated): gnomAD 0.00002; gnomAD exomes 0.00006; ExAC 0.00007.
gnomAD v4.1: 88 of 1,608,568 alleles (0.0055%); highest among the groups gnomAD compares: South Asian, 0.08%; 1 homozygote.

Submissions (2):

Labcorp Genetics (formerly Invitae), Labcorp
Classification: Likely benign. Last evaluated: 2025-06-10. Review status: criteria provided, single submitter. Criteria: Invitae Variant Classification Sherloc (09022015). Collection method: clinical testing. Allele origin: germline.

CeGaT Center for Human Genetics Tuebingen
Classification: Likely benign. Last evaluated: 2024-11-01. Review status: criteria provided, single submitter. Criteria: CeGaT Center For Human Genetics Tuebingen Variant Classification Criteria Version 2. Collection method: clinical testing. Allele origin: germline. Affected: yes. Observed: 2 variant alleles.
Comment: DCHS1: BP4, BP7

NM_003737.4(DCHS1):c.1032C>T (p.Gly344=)

Gene: DCHS1 (dachsous cadherin-related 1; minus strand). Cytogenetic location: 11p15.4.
Variant type: single nucleotide variant.
Coding change: c.1032C>T on transcript NM_003737.4 (MANE Select); coding-DNA position 1032, C replaced by T.
Protein change: p.Gly344=; no amino-acid change (glycine 344 retained).
Molecular consequence: synonymous variant.
Genome position (GRCh38, 1-based): chr11:6,640,582, G>A on the plus strand (C>T on the coding strand, the complement: DCHS1 is on the minus strand). VCF-style: chr11-6640582-G-A. GRCh37 (hg19) VCF-style: chr11-6661813-G-A.
Identifiers: ClinVar variation 2979205 (VCV002979205.23), dbSNP rs777072883, ClinGen allele CA5861038.
Genomic context (GRCh38, chr11:6,640,582, plus strand): 5'-GACAGTCATGGAGGGCTGATTGTCATTGGCATCTCGCACATGCACAGTCACAAAGGCCGA[G>A]CCCAGCTCAGGGTGAGCCCCACCATCTCGTGCTTGCACCACCAGTTCATGGACCCGCCGC-3'
Protein context (NP_003728.1, residues 334-354): ARDGGAHPEL[Gly344=]SAFVTVHVRD